The following is an entry in ClinVar:

NM_000843.4(GRM6):c.340C>T (p.Gln114Ter)

Gene: GRM6 (glutamate metabotropic receptor 6; minus strand). Cytogenetic location: 5q35.3.
Variant type: single nucleotide variant.
Coding change: c.340C>T on transcript NM_000843.4 (MANE Select); coding-DNA position 340, C replaced by T.
Protein change: p.Gln114Ter; replaces glutamine 114 with a stop codon.
Molecular consequence: nonsense.
Genome position (GRCh38, 1-based): chr5:178,994,605, G>A on the plus strand (C>T on the coding strand, the complement: GRM6 is on the minus strand). VCF-style: chr5-178994605-G-A. GRCh37 (hg19) VCF-style: chr5-178421606-G-A.
Other names: short protein forms Q114*.
Identifiers: ClinVar variation 2664907 (VCV002664907.1), dbSNP rs1304183009, ClinGen allele CA362436166.

ClinVar aggregate classification (germline): Likely pathogenic (1 of 4 stars; one submission).

Conditions:
Congenital stationary night blindness 1B. Also called: NIGHT BLINDNESS, CONGENITAL STATIONARY, COMPLETE, AUTOSOMAL RECESSIVE; Night blindness, congenital stationary (complete), 1B, autosomal recessive. Identifiers: Orphanet 215, MedGen C1850362, MONDO:0009758, OMIM 257270.

Allele frequency attached by ClinVar (database versions not stated): gnomAD exomes below 0.00001.

Submission:

Neuberg Centre For Genomic Medicine, NCGM
Classification: Likely pathogenic for Congenital stationary night blindness 1B. Last evaluated: 2023-02-14. Review status: criteria provided, single submitter. Criteria: ACMG Guidelines, 2015. Collection method: clinical testing. Allele origin: germline. Inheritance: Autosomal recessive inheritance. Affected: yes.
Comment: The stop gain c.340C>T (p.Gln114Ter) variant in GRM6 gene has not been reported previously as a pathogenic variant nor as a benign variant, to our knowledge. The c.340C>T variant is reported with an allele frequency of 0% in the gnomAD exomes database, however, it is covered in fewer than 50% of individuals, and hence, allele frequency estimates may not be reliable. This variant has not been reported to the ClinVar database. The nucleotide change c.340C>T in GRM6 is predicted as conserved by GERP++ and PhyloP across 100 vertebrates. This variant is predicted to cause loss of normal protein function through protein truncation. Loss of function variants have been previously reported to be disease causing. For these reasons, this variant has been classified as Likely Pathogenic.